The following is an entry in ClinVar:

ClinVar aggregate classification (germline): Uncertain significance (1 of 4 stars; one submission).

Allele frequency attached by ClinVar (database versions not stated): gnomAD 0.00001; 1000 Genomes Project 0.00020; 1000 Genomes Project 30x 0.00031.
gnomAD v4.1: 1 of 1,613,712 alleles (0.000062%); highest among the groups gnomAD compares: Admixed American, 0.0017%; no homozygotes.

Submission:

Labcorp Genetics (formerly Invitae), Labcorp
Classification: Uncertain significance. Last evaluated: 2023-02-01. Review status: criteria provided, single submitter. Criteria: Invitae Variant Classification Sherloc (09022015). Collection method: clinical testing. Allele origin: germline.
Comment: This sequence change replaces proline, which is neutral and non-polar, with serine, which is neutral and polar, at codon 1069 of the SRCAP protein (p.Pro1069Ser). This variant is not present in population databases (gnomAD no frequency). This variant has not been reported in the literature in individuals affected with SRCAP-related conditions. Advanced modeling of protein sequence and biophysical properties (such as structural, functional, and spatial information, amino acid conservation, physicochemical variation, residue mobility, and thermodynamic stability) performed at Invitae indicates that this missense variant is not expected to disrupt SRCAP protein function. In summary, the available evidence is currently insufficient to determine the role of this variant in disease. Therefore, it has been classified as a Variant of Uncertain Significance.

NM_006662.3(SRCAP):c.3205C>T (p.Pro1069Ser)

Gene: SRCAP (Snf2 related CREBBP activator protein; plus strand). Cytogenetic location: 16p11.2.
Variant type: single nucleotide variant.
Coding change: c.3205C>T on transcript NM_006662.3 (MANE Select); coding-DNA position 3205, C replaced by T.
Protein change: p.Pro1069Ser; replaces proline 1069 with serine.
Molecular consequence: missense variant.
Genome position (GRCh38, 1-based): chr16:30,720,930, C>T. VCF-style: chr16-30720930-C-T. GRCh37 (hg19) VCF-style: chr16-30732251-C-T.
Other names: short protein forms P1069S.
Identifiers: ClinVar variation 2798812 (VCV002798812.3), dbSNP rs201405560, ClinGen allele CA280511987.